The following is an entry in ClinVar:

ClinVar aggregate classification (germline): Uncertain significance. Review status: criteria provided, multiple submitters, no conflicts (2 of 4 stars). 2 submissions from 2 submitters: Uncertain significance (2). Last evaluated 2025-10-17.

Conditions:
Primary dilated cardiomyopathy (DCM). Also called: Dilated Cardiomyopathy. Identifiers: Orphanet 217604, MedGen C0007193, MeSH D002311, MONDO:0005021, HP:0001644. Inheritance: Various modes of inheritance.

Submissions (2):

Ambry Genetics
Classification: Uncertain significance. Last evaluated: 2025-10-17. Review status: criteria provided, single submitter. Criteria: Ambry Variant Classification Scheme 2023. Collection method: clinical testing. Allele origin: germline.

Labcorp Genetics (formerly Invitae), Labcorp
Classification: Uncertain significance for Primary dilated cardiomyopathy. Last evaluated: 2022-03-09. Review status: criteria provided, single submitter. Criteria: Invitae Variant Classification Sherloc (09022015). Collection method: clinical testing. Allele origin: germline.
Comment: In summary, the available evidence is currently insufficient to determine the role of this variant in disease. Therefore, it has been classified as a Variant of Uncertain Significance. Algorithms developed to predict the effect of missense changes on protein structure and function are either unavailable or do not agree on the potential impact of this missense change (SIFT: "Deleterious"; PolyPhen-2: "Probably Damaging"; Align-GVGD: "Class C0"). ClinVar contains an entry for this variant (Variation ID: 967510). This variant has not been reported in the literature in individuals affected with FHL2-related conditions. This variant is not present in population databases (gnomAD no frequency). This sequence change replaces cysteine, which is neutral and slightly polar, with tyrosine, which is neutral and polar, at codon 43 of the FHL2 protein (p.Cys43Tyr).

NM_001318895.3(FHL2):c.128G>A (p.Cys43Tyr)

Gene: FHL2 (four and a half LIM domains 2; minus strand). Cytogenetic location: 2q12.2.
Variant type: single nucleotide variant.
Coding change: c.128G>A on transcript NM_001318895.3 (MANE Select); coding-DNA position 128, G replaced by A.
Protein change: p.Cys43Tyr; replaces cysteine 43 with tyrosine.
Molecular consequence: missense variant. On other transcripts: 5 prime UTR variant (3).
Genome position (GRCh38, 1-based): chr2:105,386,389, C>T on the plus strand (G>A on the coding strand, the complement: FHL2 is on the minus strand). VCF-style: chr2-105386389-C-T. GRCh37 (hg19) VCF-style: chr2-106002846-C-T.
Other names: c.128G>A, p.Cys43Tyr (NM_001039492.3, NM_001318894.1, NM_001318896.2 and 4 more transcripts); c.-40G>A (NM_001318897.2, NM_001318898.2); c.-319G>A (NM_001318899.2); short protein forms C43Y.
Identifiers: ClinVar variation 967510 (VCV000967510.8), dbSNP rs745717988, ClinGen allele CA348100254.